The following is an entry in ClinVar:

ClinVar aggregate classification (germline): Uncertain significance (1 of 4 stars; one submission).

Conditions:
Inborn genetic diseases. Identifiers: MedGen C0950123, MeSH D030342.

Allele frequency attached by ClinVar (database versions not stated): gnomAD exomes below 0.00001; gnomAD 0.00002.
gnomAD v4.1: 5 of 1,539,746 alleles (0.00032%); highest among the groups gnomAD compares: Non-Finnish European, 0.00044%; no homozygotes.

Submission:

Ambry Genetics
Classification: Uncertain significance for Inborn genetic diseases. Last evaluated: 2023-02-20. Review status: criteria provided, single submitter. Criteria: Ambry Variant Classification Scheme 2023. Collection method: clinical testing. Allele origin: germline.
Comment: The p.P354L variant (also known as c.1061C>T), located in coding exon 11 of the ERCC2 gene, results from a C to T substitution at nucleotide position 1061. The proline at codon 354 is replaced by leucine, an amino acid with similar properties. This amino acid position is conserved. In addition, the in silico prediction for this alteration is inconclusive. Since supporting evidence is limited at this time, the clinical significance of this alteration remains unclear.

NM_000400.4(ERCC2):c.1061C>T (p.Pro354Leu)

Gene: ERCC2 (ERCC excision repair 2, TFIIH core complex helicase subunit; minus strand). Cytogenetic location: 19q13.32.
Variant type: single nucleotide variant.
Coding change: c.1061C>T on transcript NM_000400.4 (MANE Select); coding-DNA position 1061, C replaced by T.
Protein change: p.Pro354Leu; replaces proline 354 with leucine.
Molecular consequence: missense variant.
Genome position (GRCh38, 1-based): chr19:45,363,800, G>A on the plus strand (C>T on the coding strand, the complement: ERCC2 is on the minus strand). VCF-style: chr19-45363800-G-A. GRCh37 (hg19) VCF-style: chr19-45867058-G-A.
Other names: c.989C>T, p.Pro330Leu (NM_001130867.2); short protein forms P330L, P354L.
Identifiers: ClinVar variation 3231617 (VCV003231617.1), dbSNP rs1972313000, ClinGen allele CA406372366.
Genomic context (GRCh38, chr19:45,363,800, plus strand): 5'-CACCTGAGGGGCTTGCGCTGGATGCACACGCGCTGGGCCAGGCCGCTCAGGAAGGCGGGC[G>A]GGCTCTCCTGCACCACATGCTGCACACGCAGCCGCCACTTCACGTACTCCAGCAGCCGCC-3'
Protein context (NP_000391.1, residues 344-364): LRVQHVVQES[Pro354Leu]PAFLSGLAQR